The following is an entry in ClinVar:

ClinVar aggregate classification (germline): Uncertain significance (1 of 4 stars; one submission).

Conditions:
Long QT syndrome (LQTS). Identifiers: MedGen C0023976, MeSH D008133, MONDO:0002442. Disease mechanism: loss of function. Inheritance: Various modes of inheritance.

gnomAD v4.1: 2 of 1,613,582 alleles (0.00012%); highest among the groups gnomAD compares: Admixed American, 0.0017%; no homozygotes.

Submission:

Labcorp Genetics (formerly Invitae), Labcorp
Classification: Uncertain significance for Long QT syndrome. Last evaluated: 2025-10-15. Review status: criteria provided, single submitter. Criteria: Invitae Variant Classification Sherloc (09022015). Collection method: clinical testing. Allele origin: germline.
Comment: This sequence change replaces threonine, which is neutral and polar, with alanine, which is neutral and non-polar, at codon 378 of the SNTA1 protein (p.Thr378Ala). This variant is present in population databases (rs765983104, gnomAD 0.0009%). This variant has not been reported in the literature in individuals affected with SNTA1-related conditions. Invitae Evidence Modeling of protein sequence and biophysical properties (such as structural, functional, and spatial information, amino acid conservation, physicochemical variation, residue mobility, and thermodynamic stability) indicates that this missense variant is not expected to disrupt SNTA1 protein function with a negative predictive value of 80%. In summary, the available evidence is currently insufficient to determine the role of this variant in disease. Therefore, it has been classified as a Variant of Uncertain Significance.

NM_003098.3(SNTA1):c.1132A>G (p.Thr378Ala)

Gene: SNTA1 (syntrophin alpha 1; minus strand). Cytogenetic location: 20q11.21.
Variant type: single nucleotide variant.
Coding change: c.1132A>G on transcript NM_003098.3 (MANE Select); coding-DNA position 1132, A replaced by G.
Protein change: p.Thr378Ala; replaces threonine 378 with alanine.
Molecular consequence: missense variant.
Genome position (GRCh38, 1-based): chr20:33,410,240, T>C on the plus strand (A>G on the coding strand, the complement: SNTA1 is on the minus strand). VCF-style: chr20-33410240-T-C. GRCh37 (hg19) VCF-style: chr20-31998046-T-C.
Other names: c.1132A>G, p.Thr378Ala (NM_001424413.1, NM_001424414.1); short protein forms T378A.
Identifiers: ClinVar variation 4699517 (VCV004699517.1).
Genomic context (GRCh38, chr20:33,410,240, plus strand): 5'-CCACAAGCTGGCGGGTCCAGGCAGCCAGCTCCTGCGGTGACTCCACGCTGAACAGGTGAG[T>C]GTCCACACCGTGACGCGTGCCCGTGCGCAGGGCAAAAGAGAGCTCTGCATCGTAGGGCAC-3'
Protein context (NP_003089.1, residues 368-388): LRTGTRHGVD[Thr378Ala]HLFSVESPQE